The following is an entry in ClinVar:

NM_000404.4(GLB1):c.439C>T (p.Leu147Phe)

Gene: GLB1 (galactosidase beta 1; minus strand). Cytogenetic location: 3p22.3.
Variant type: single nucleotide variant.
Coding change: c.439C>T on transcript NM_000404.4 (MANE Select); coding-DNA position 439, C replaced by T.
Protein change: p.Leu147Phe; replaces leucine 147 with phenylalanine.
Molecular consequence: missense variant. On other transcripts: intron variant (1).
Genome position (GRCh38, 1-based): chr3:33,068,248, G>A on the plus strand (C>T on the coding strand, the complement: GLB1 is on the minus strand). VCF-style: chr3-33068248-G-A. GRCh37 (hg19) VCF-style: chr3-33109740-G-A.
Other names: c.349C>T, p.Leu117Phe (NM_001079811.3); c.583C>T, p.Leu195Phe (NM_001317040.2); c.439C>T, p.Leu147Phe (NM_001393580.1); c.246-2691C>T (NM_001135602.3); short protein forms L147F, L117F, L195F.
Identifiers: ClinVar variation 522669 (VCV000522669.10), dbSNP rs1553612143, ClinGen allele CA351994074.

ClinVar aggregate classification (germline): Likely pathogenic. Review status: criteria provided, multiple submitters, no conflicts (2 of 4 stars). 2 submissions from 2 submitters: Likely pathogenic (2). Last evaluated 2023-05-22.

Conditions:
Infantile GM1 gangliosidosis. Also called: Gangliosidosis, Generalized GM1, Type 1; GM1-gangliosidosis, type I; Gangliosidosis, generalized GM1, infantile form; GLB1 deficiency; GM1 gangliosidosis type 1. Identifiers: Orphanet 354, Orphanet 79255, MedGen C0268271, MONDO:0009260, OMIM 230500.
GM1 gangliosidosis. Identifiers: Orphanet 354, MedGen C0085131, MONDO:0018149.
Mucopolysaccharidosis, MPS-IV-B (MPS4B). Also called: Mucopolysaccharidosis type 4B; Mucopolysaccharidosis Type IVB; Mucopolysaccharidosis type IV B; Mucopolysaccharidosis type IVB (Morquio); MPS IVB; MORQUIO SYNDROME B. Identifiers: Orphanet 309310, Orphanet 582, MedGen C0086652, MONDO:0009660, OMIM 253010.

Allele frequency attached by ClinVar (database versions not stated): gnomAD exomes below 0.00001.
gnomAD v4.1: 2 of 1,614,038 alleles (0.00012%); highest among the groups gnomAD compares: South Asian, 0.0011%; no homozygotes.

Submissions (2):

Labcorp Genetics (formerly Invitae), Labcorp
Classification: Likely pathogenic for Mucopolysaccharidosis, MPS-IV-B; GM1 gangliosidosis. Last evaluated: 2023-05-22. Review status: criteria provided, single submitter. Criteria: Invitae Variant Classification Sherloc (09022015). Collection method: clinical testing. Allele origin: germline.
Comment: In summary, the currently available evidence indicates that the variant is pathogenic, but additional data are needed to prove that conclusively. Therefore, this variant has been classified as Likely Pathogenic. Algorithms developed to predict the effect of sequence changes on RNA splicing suggest that this variant may disrupt the consensus splice site. Advanced modeling of protein sequence and biophysical properties (such as structural, functional, and spatial information, amino acid conservation, physicochemical variation, residue mobility, and thermodynamic stability) performed at Invitae indicates that this missense variant is expected to disrupt GLB1 protein function. ClinVar contains an entry for this variant (Variation ID: 522669). This missense change has been observed in individual(s) with GM1-gangliosidosis (PMID: 33737400). In at least one individual the data is consistent with being in trans (on the opposite chromosome) from a pathogenic variant. This variant is not present in population databases (gnomAD no frequency). This sequence change replaces leucine, which is neutral and non-polar, with phenylalanine, which is neutral and non-polar, at codon 147 of the GLB1 protein (p.Leu147Phe).

Genomic Research Center, Shahid Beheshti University of Medical Sciences
Classification: Likely pathogenic for Infantile GM1 gangliosidosis. Last evaluated: 2017-12-03. Review status: criteria provided, single submitter. Criteria: ACMG Guidelines, 2015. Collection method: clinical testing. Allele origin: inherited. Affected: yes.

Literature cited by the submitters: PubMed 33737400 (cited by Labcorp Genetics (formerly Invitae), Labcorp).